The following is an entry in ClinVar:

ClinVar aggregate classification (germline): Benign (1 of 4 stars; one submission).

Conditions:
Hereditary diffuse gastric adenocarcinoma (HDGC). Also called: DIFFUSE GASTRIC AND LOBULAR BREAST CANCER SYNDROME. Identifiers: Orphanet 26106, MedGen C1708349, MONDO:0007648, OMIM 137215.

Submission:

Myriad Genetics, Inc.
Classification: Benign for Hereditary diffuse gastric adenocarcinoma. Last evaluated: 2024-09-13. Review status: criteria provided, single submitter. Criteria: Myriad Autosomal Dominant, Autosomal Recessive and X-Linked Classification Criteria (2023). Collection method: clinical testing. Allele origin: unknown.
Comment: This variant is considered benign. This variant is a silent/synonymous amino acid change and it is not expected to impact splicing.

NM_004360.5(CDH1):c.564T>A (p.Val188=)

Gene: CDH1 (cadherin 1; plus strand). Cytogenetic location: 16q22.1.
Variant type: single nucleotide variant.
Coding change: c.564T>A on transcript NM_004360.5 (MANE Select); coding-DNA position 564, T replaced by A.
Protein change: p.Val188=; no amino-acid change (valine 188 retained).
Molecular consequence: synonymous variant. On other transcripts: 5 prime UTR variant (2).
Genome position (GRCh38, 1-based): chr16:68,808,725, T>A. VCF-style: chr16-68808725-T-A. GRCh37 (hg19) VCF-style: chr16-68842628-T-A.
Other names: c.564T>A, p.Val188= (NM_001317184.2); c.-1052T>A (NM_001317185.2); c.-1256T>A (NM_001317186.2).
Identifiers: ClinVar variation 3379194 (VCV003379194.1).